The following is an entry in ClinVar:

NM_005138.3(SCO2):c.788G>A (p.Ser263Asn)

Genes: NCAPH2 (non-SMC condensin II complex subunit H2; plus strand), SCO2 (synthesis of cytochrome C oxidase 2; minus strand). Cytogenetic location: 22q13.33.
Variant type: single nucleotide variant.
Coding change: c.788G>A on transcript NM_005138.3 (MANE Select); coding-DNA position 788, G replaced by A.
Protein change: p.Ser263Asn; replaces serine 263 with asparagine.
Molecular consequence: missense variant. On other transcripts: 3 prime UTR variant (2).
Genome position (GRCh38, 1-based): chr22:50,523,624, C>T on the plus strand (G>A on the coding strand, the complement: SCO2 is on the minus strand). VCF-style: chr22-50523624-C-T. GRCh37 (hg19) VCF-style: chr22-50962053-C-T.
Other names: c.*249C>T (NM_001185011.2, NM_152299.4); c.788G>A, p.Ser263Asn (NM_001169109.2, NM_001169110.1, NM_001169111.2); short protein forms S263N.
Identifiers: ClinVar variation 1384089 (VCV001384089.6), dbSNP rs200737826, ClinGen allele CA325554998.

ClinVar aggregate classification (germline): Uncertain significance (1 of 4 stars; one submission).

Allele frequency attached by ClinVar (database versions not stated): gnomAD exomes below 0.00001.

Submission:

Labcorp Genetics (formerly Invitae), Labcorp
Classification: Uncertain significance. Last evaluated: 2021-10-04. Review status: criteria provided, single submitter. Criteria: Invitae Variant Classification Sherloc (09022015). Collection method: clinical testing. Allele origin: germline.
Comment: This sequence change replaces serine with asparagine at codon 263 of the SCO2 protein (p.Ser263Asn). The serine residue is moderately conserved and there is a small physicochemical difference between serine and asparagine. This variant is not present in population databases (ExAC no frequency). This variant has not been reported in the literature in individuals affected with SCO2-related conditions. Algorithms developed to predict the effect of missense changes on protein structure and function (SIFT, PolyPhen-2, Align-GVGD) all suggest that this variant is likely to be tolerated. In summary, the available evidence is currently insufficient to determine the role of this variant in disease. Therefore, it has been classified as a Variant of Uncertain Significance.